The following is an entry in ClinVar:

ClinVar aggregate classification (germline): Pathogenic (1 of 4 stars; one submission).

Conditions:
Neurofibromatosis, type 1 (NF1). Also called: NEUROFIBROMATOSIS, TYPE I, SOMATIC; Neurofibromatosis, type I; Peripheral type neurofibromatosis; VON RECKLINGHAUSEN DISEASE. Identifiers: Orphanet 636, MedGen C0027831, MONDO:0018975, OMIM 162200. Disease mechanism: loss of function.

Submission:

Labcorp Genetics (formerly Invitae), Labcorp
Classification: Pathogenic for Neurofibromatosis, type 1. Last evaluated: 2022-01-19. Review status: criteria provided, single submitter. Criteria: Invitae Variant Classification Sherloc (09022015). Collection method: clinical testing. Allele origin: germline.
Comment: For these reasons, this variant has been classified as Pathogenic. This variant has not been reported in the literature in individuals affected with NF1-related conditions. This variant is not present in population databases (gnomAD no frequency). This sequence change creates a premature translational stop signal (p.Ile237Serfs*44) in the NF1 gene. It is expected to result in an absent or disrupted protein product. Loss-of-function variants in NF1 are known to be pathogenic (PMID: 10712197, 23913538).

Literature cited by the submitters: PubMed 10712197; PubMed 23913538.

NM_001042492.3(NF1):c.708del (p.Ile237fs)

Gene: NF1 (neurofibromin 1; plus strand). Cytogenetic location: 17q11.2.
Variant type: Deletion.
Coding change: c.708del on transcript NM_001042492.3 (MANE Select); coding-DNA position 708, one base deleted (G; older notation c.708delG).
Protein change: p.Ile237fs; shifts the reading frame from isoleucine 237.
Molecular consequence: frameshift variant.
Genome position (GRCh38, 1-based): chr17:31,181,763, G deleted. VCF-style (leftmost placement, unchanged base first): chr17-31181762-AG-A. GRCh37 (hg19) VCF-style: chr17-29508780-AG-A.
Other names: c.708delG, p.Ile237Serfs (NM_000267.4); c.708del, p.Ile237fs (NM_001128147.3); short protein forms I237fs.
Identifiers: ClinVar variation 2087920 (VCV002087920.4), dbSNP rs2544750017, ClinGen allele CA2580092828.